The following is an entry in ClinVar:

NM_004187.5(KDM5C):c.2139G>T (p.Thr713=)

Gene: KDM5C (lysine demethylase 5C; minus strand). Cytogenetic location: Xp11.22.
Variant type: single nucleotide variant.
Coding change: c.2139G>T on transcript NM_004187.5 (MANE Select); coding-DNA position 2139, G replaced by T.
Protein change: p.Thr713=; no amino-acid change (threonine 713 retained).
Molecular consequence: synonymous variant. On other transcripts: non-coding transcript variant (3).
Genome position (GRCh38, 1-based): chrX:53,199,081, C>A on the plus strand (G>T on the coding strand, the complement: KDM5C is on the minus strand). VCF-style: chrX-53199081-C-A. GRCh37 (hg19) VCF-style: chrX-53228263-C-A.
Other names: c.1938G>T, p.Thr646= (NM_001146702.2); c.2136G>T, p.Thr712= (NM_001282622.3, NM_001353979.2, NM_001353982.2); c.2139G>T, p.Thr713= (NM_001353978.3, NM_001353981.2, NM_001353984.2).
Identifiers: ClinVar variation 2499137 (VCV002499137.28), dbSNP rs782489275, ClinGen allele CA516672776.

ClinVar aggregate classification (germline): Likely benign (1 of 4 stars; one submission).

gnomAD v4.1: 1 of 1,212,031 alleles (0.000083%); no homozygotes.

Submission:

CeGaT Center for Human Genetics Tuebingen
Classification: Likely benign. Last evaluated: 2023-03-01. Review status: criteria provided, single submitter. Criteria: CeGaT Center For Human Genetics Tuebingen Variant Classification Criteria Version 2. Collection method: clinical testing. Allele origin: germline. Affected: yes. Observed: 1 variant allele.
Comment: KDM5C: PM2:Supporting, BP4, BP7